The following is an entry in ClinVar:

NM_000169.3(GLA):c.370-532_1278del

Genes: GLA (galactosidase alpha; minus strand), RPL36A-HNRNPH2 (RPL36A-HNRNPH2 readthrough; plus strand). Cytogenetic location: Xq22.1.
Variant type: Deletion.
Coding change: c.370-532_1278del on transcript NM_000169.3 (MANE Select); 532 bases into the intron before coding-DNA position 370 through coding-DNA position 1278, 4,521 bases deleted.
Molecular consequence: splice acceptor variant, splice donor variant. On other transcripts: intron variant (2).
Genome position (GRCh38, 1-based): chrX:101,397,821-101,402,341, 4,521 bases deleted. GRCh37 (hg19): chrX:100,652,810-100,657,330.
Other names: c.493-532_1401del (NM_001406747.1); c.300+2365_300+6885del (NM_001199973.2); c.177+6000_178-9594del (NM_001199974.2).
Identifiers: ClinVar variation 982018 (VCV000982018.1), ClinGen allele CA1139667712.

ClinVar aggregate classification (germline): Pathogenic (1 of 4 stars; one submission).

Conditions:
Fabry disease. Also called: ALPHA-GALACTOSIDASE A DEFICIENCY; ANDERSON-FABRY DISEASE; CERAMIDE TRIHEXOSIDASE DEFICIENCY; GLA DEFICIENCY; HEREDITARY DYSTOPIC LIPIDOSIS; Fabry's disease. Identifiers: Orphanet 324, MedGen C0002986, MONDO:0010526, OMIM 301500, HP:0001071. Disease mechanism: Fabry disease is due to inactivating mutations in the X-linked GLA gene resulting in deficiency of the enzyme Alpha Galactosidase-A., loss of function.

Submission:

Women's Health and Genetics/Laboratory Corporation of America, LabCorp
Classification: Pathogenic for Fabry disease. Last evaluated: 2020-09-16. Review status: criteria provided, single submitter. Criteria: LabCorp Variant Classification Summary - May 2015. Collection method: clinical testing. Allele origin: germline.
Comment: Variant summary: The variant identified by MLPA or other technology involves a large 4.5kb deletion that spans the entire length exons 3-6 and a majority of exon 7 in the GLA gene. A presumed nomenclature of c.370-532_1278del4521 has been designated for the purposes of this classification. A direct repeat AAG sequence is present at both deletion termini and the precise breakpoints are thought to have occurred immediately 5', 3' or within these direct repeats (Kornreich_1990). Some clinical labs have also reported this variant as 370-533_1277del. HGMD database (CG900355) calls this variant as c.370-530_1279del4520 citing Kornreich_1990. Therefore, although exact breakpoints of this deletion may vary, it is expected to result in a loss of protein function of the GLA gene product, a known mechanism of disease. The variant was absent in 183061 control chromosomes (gnomAD). This variant has been reported in the literature in an individual affected with Fabry Disease (Kornreich_1990 cites Bernstein_1989) and has been used as the primary evidence supporting this classification. At least one publication reports experimental evidence evaluating an impact on protein function. The most pronounced variant effect results in the absence of any detectable alpha-galactosidase activity in plasma and/or cell sources from the affected hemizygote manifesting the classical Fabry disease phenotype (Bernstein_1989). No clinical diagnostic laboratories have submitted clinical-significance assessments for this variant to ClinVar after 2014. Based on the evidence outlined above, the variant was classified as pathogenic.

Literature cited by the submitters: PubMed 2539398; PubMed 2160973.